The following is an entry in ClinVar:

NM_003480.4(MFAP5):c.458G>A (p.Arg153His)

Genes: MFAP5 (microfibril associated protein 5; minus strand), LOC126861443 (BRD4-independent group 4 enhancer GRCh37_chr12:8800473-8801672; plus strand). Cytogenetic location: 12p13.31.
Variant type: single nucleotide variant.
Coding change: c.458G>A on transcript NM_003480.4 (MANE Select); coding-DNA position 458, G replaced by A.
Protein change: p.Arg153His; replaces arginine 153 with histidine.
Molecular consequence: missense variant. On other transcripts: non-coding transcript variant (2).
Genome position (GRCh38, 1-based): chr12:8,648,155, C>T on the plus strand (G>A on the coding strand, the complement: MFAP5 is on the minus strand). VCF-style: chr12-8648155-C-T. GRCh37 (hg19) VCF-style: chr12-8800751-C-T.
Other names: c.428G>A, p.Arg143His (NM_001297709.2); c.392G>A, p.Arg131His (NM_001297710.2); c.383G>A, p.Arg128His (NM_001297711.2); c.266G>A, p.Arg89His (NM_001297712.2); short protein forms R143H, R89H, R128H, R131H, R153H.
Identifiers: ClinVar variation 1741704 (VCV001741704.17), dbSNP rs768885285, ClinGen allele CA6434564.

ClinVar aggregate classification (germline): Conflicting classifications of pathogenicity. Review status: criteria provided, conflicting classifications (1 of 4 stars). 3 submissions from 3 submitters: Uncertain significance (2); Likely benign (1). Last evaluated 2025-07-23.

Conditions:
Cardiovascular phenotype. Identifiers: MedGen CN230736.

Allele frequency attached by ClinVar (database versions not stated): ExAC 0.00001; TOPMed 0.00004; gnomAD 0.00006.
gnomAD v4.1: 16 of 1,613,718 alleles (0.00099%); highest among the groups gnomAD compares: African/African-American, 0.0093%; no homozygotes.

Submissions (3):

Labcorp Genetics (formerly Invitae), Labcorp
Classification: Uncertain significance. Last evaluated: 2025-07-23. Review status: criteria provided, single submitter. Criteria: Invitae Variant Classification Sherloc (09022015). Collection method: clinical testing. Allele origin: germline.
Comment: This sequence change replaces arginine, which is basic and polar, with histidine, which is basic and polar, at codon 153 of the MFAP5 protein (p.Arg153His). This variant is present in population databases (rs768885285, gnomAD 0.0009%). This variant has not been reported in the literature in individuals affected with MFAP5-related conditions. ClinVar contains an entry for this variant (Variation ID: 1741704). An algorithm developed to predict the effect of missense changes on protein structure and function (PolyPhen-2) suggests that this variant is likely to be disruptive. In summary, the available evidence is currently insufficient to determine the role of this variant in disease. Therefore, it has been classified as a Variant of Uncertain Significance.

CeGaT Center for Human Genetics Tuebingen
Classification: Likely benign. Last evaluated: 2025-02-01. Review status: criteria provided, single submitter. Criteria: CeGaT Center For Human Genetics Tuebingen Variant Classification Criteria Version 2. Collection method: clinical testing. Allele origin: germline. Affected: yes. Observed: 1 variant allele.
Comment: MFAP5: BP4

Ambry Genetics
Classification: Uncertain significance for Cardiovascular phenotype. Last evaluated: 2024-05-10. Review status: criteria provided, single submitter. Criteria: Ambry Variant Classification Scheme 2023. Collection method: clinical testing. Allele origin: germline.
Comment: The p.R153H variant (also known as c.458G>A), located in coding exon 9 of the MFAP5 gene, results from a G to A substitution at nucleotide position 458. The arginine at codon 153 is replaced by histidine, an amino acid with highly similar properties. This amino acid position is conserved. In addition, the in silico prediction for this alteration is inconclusive. Since supporting evidence is limited at this time, the clinical significance of this alteration remains unclear.